The following is an entry in ClinVar:

ClinVar aggregate classification (germline): Uncertain significance (1 of 4 stars; one submission).

Submission:

GeneDx
Classification: Uncertain significance. Last evaluated: 2019-08-20. Review status: criteria provided, single submitter. Criteria: GeneDx Variant Classification Process June 2021. Collection method: clinical testing. Allele origin: germline. Affected: yes.
Comment: Not observed in large population cohorts (Lek et al., 2016); Missense variant in a gene in which most reported pathogenic variants are truncating/loss-of-function; Has not been previously published as pathogenic or benign to our knowledge

NM_001267550.2(TTN):c.57977T>A (p.Ile19326Asn)

Genes: TTN (titin; minus strand), TTN-AS1 (TTN antisense RNA 1; plus strand). Cytogenetic location: 2q31.2.
Variant type: single nucleotide variant.
Coding change: c.57977T>A on transcript NM_001267550.2 (MANE Select); coding-DNA position 57977, T replaced by A.
Protein change: p.Ile19326Asn; replaces isoleucine 19326 with asparagine.
Molecular consequence: missense variant.
Genome position (GRCh38, 1-based): chr2:178,594,517, A>T on the plus strand (T>A on the coding strand, the complement: TTN is on the minus strand). VCF-style: chr2-178594517-A-T. GRCh37 (hg19) VCF-style: chr2-179459244-A-T.
Other names: c.53054T>A, p.Ile17685Asn (NM_001256850.1); c.30782T>A, p.Ile10261Asn (NM_003319.4); c.50273T>A, p.Ile16758Asn (NM_133378.4); c.31157T>A, p.Ile10386Asn (NM_133432.3); c.31358T>A, p.Ile10453Asn (NM_133437.4); short protein forms I10261N, I10386N, I10453N, I16758N, I17685N, I19326N.
Identifiers: ClinVar variation 1307958 (VCV001307958.2), dbSNP rs766571281, ClinGen allele CA349510646.